The following is an entry in ClinVar:

NM_001276270.2(MBD4):c.342A>G (p.Gln114=)

Gene: MBD4 (methyl-CpG binding domain 4, DNA glycosylase; minus strand). Cytogenetic location: 3q21.3.
Variant type: single nucleotide variant.
Coding change: c.342A>G on transcript NM_001276270.2 (MANE Select); coding-DNA position 342, A replaced by G.
Protein change: p.Gln114=; no amino-acid change (glutamine 114 retained).
Molecular consequence: synonymous variant. On other transcripts: intron variant (1).
Genome position (GRCh38, 1-based): chr3:129,437,302, T>C on the plus strand (A>G on the coding strand, the complement: MBD4 is on the minus strand). VCF-style: chr3-129437302-T-C. GRCh37 (hg19) VCF-style: chr3-129156145-T-C.
Other names: c.342A>G, p.Gln114= (NM_001276271.2, NM_001276272.2, NM_003925.3); c.247+506A>G (NM_001276273.2).
Identifiers: ClinVar variation 2975195 (VCV002975195.4), dbSNP rs886467526, ClinGen allele CA82636950.

ClinVar aggregate classification (germline): Conflicting classifications of pathogenicity. Review status: criteria provided, conflicting classifications (1 of 4 stars). 2 submissions from 2 submitters: Uncertain significance (1); Likely benign (1). Last evaluated 2025-10-06.

Conditions:
Inborn genetic diseases. Identifiers: MedGen C0950123, MeSH D030342.

Allele frequency attached by ClinVar (database versions not stated): gnomAD exomes 0.00001; gnomAD 0.00002.
gnomAD v4.1: 14 of 1,604,642 alleles (0.00087%); highest among the groups gnomAD compares: East Asian, 0.0045%; no homozygotes.

Submissions (2):

Labcorp Genetics (formerly Invitae), Labcorp
Classification: Likely benign. Last evaluated: 2025-10-06. Review status: criteria provided, single submitter. Criteria: Invitae Variant Classification Sherloc (09022015). Collection method: clinical testing. Allele origin: germline.

Ambry Genetics
Classification: Uncertain significance for Inborn genetic diseases. Last evaluated: 2024-12-19. Review status: criteria provided, single submitter. Criteria: Ambry Variant Classification Scheme 2023. Collection method: clinical testing. Allele origin: germline.
Comment: The c.342A>G variant (also known as p.Q114Q), located in coding exon 3 of the MBD4 gene, results from an A to G substitution at nucleotide position 342. This nucleotide substitution does not change the glutamine at codon 114. This nucleotide position is not well conserved in available vertebrate species. In silico splice site analysis predicts that this alteration may result in the creation or strengthening of a novel splice acceptor site. Based on the available evidence, the clinical significance of this variant remains unclear.